The following is an entry in ClinVar:

NM_001164508.2(NEB):c.11612A>T (p.Lys3871Ile)

Gene: NEB (nebulin; minus strand). Cytogenetic location: 2q23.3.
Variant type: single nucleotide variant.
Coding change: c.11612A>T on transcript NM_001164508.2 (MANE Select); coding-DNA position 11612, A replaced by T.
Protein change: p.Lys3871Ile; replaces lysine 3871 with isoleucine.
Molecular consequence: missense variant.
Genome position (GRCh38, 1-based): chr2:151,612,379, T>A on the plus strand (A>T on the coding strand, the complement: NEB is on the minus strand). VCF-style: chr2-151612379-T-A. GRCh37 (hg19) VCF-style: chr2-152468893-T-A.
Other names: c.11612A>T, p.Lys3871Ile (NM_001164507.2, NM_001271208.2); c.10883A>T, p.Lys3628Ile (NM_004543.5); short protein forms K3628I, K3871I.
Identifiers: ClinVar variation 2147940 (VCV002147940.4), dbSNP rs761955993, ClinGen allele CA348780824.

ClinVar aggregate classification (germline): Uncertain significance (1 of 4 stars; one submission).

Conditions:
Nemaline myopathy 2 (NEM2). Also called: Nemaline myopathy 2, autosomal recessive. Identifiers: MedGen C1850569, MONDO:0009725, OMIM 256030.

gnomAD v4.1: 6 of 1,613,578 alleles (0.00037%); highest among the groups gnomAD compares: East Asian, 0.011%; no homozygotes.

Submission:

Labcorp Genetics (formerly Invitae), Labcorp
Classification: Uncertain significance for Nemaline myopathy 2. Last evaluated: 2022-05-29. Review status: criteria provided, single submitter. Criteria: Invitae Variant Classification Sherloc (09022015). Collection method: clinical testing. Allele origin: germline.
Comment: This sequence change replaces lysine, which is basic and polar, with isoleucine, which is neutral and non-polar, at codon 3871 of the NEB protein (p.Lys3871Ile). This variant is not present in population databases (gnomAD no frequency). This variant has not been reported in the literature in individuals affected with NEB-related conditions. Algorithms developed to predict the effect of missense changes on protein structure and function are either unavailable or do not agree on the potential impact of this missense change (SIFT: "Deleterious"; PolyPhen-2: "Not Available"; Align-GVGD: "Class C0"). In summary, the available evidence is currently insufficient to determine the role of this variant in disease. Therefore, it has been classified as a Variant of Uncertain Significance.